The following is an entry in ClinVar:

NM_004562.3(PRKN):c.1000C>T (p.Arg334Cys)

Gene: PRKN (parkin RBR E3 ubiquitin protein ligase; minus strand). Cytogenetic location: 6q26.
Variant type: single nucleotide variant.
Coding change: c.1000C>T on transcript NM_004562.3 (MANE Select); coding-DNA position 1000, C replaced by T.
Protein change: p.Arg334Cys; replaces arginine 334 with cysteine.
Molecular consequence: missense variant.
Genome position (GRCh38, 1-based): chr6:161,548,937, G>A on the plus strand (C>T on the coding strand, the complement: PRKN is on the minus strand). VCF-style: chr6-161548937-G-A. GRCh37 (hg19) VCF-style: chr6-161969969-G-A.
Other names: c.916C>T, p.Arg306Cys (NM_013987.3); c.553C>T, p.Arg185Cys (NM_013988.3); short protein forms R334C, R306C, R185C.
Identifiers: ClinVar variation 281504 (VCV000281504.24), dbSNP rs199657839, ClinGen allele CA4090080.

ClinVar aggregate classification (germline): Conflicting classifications of pathogenicity. Review status: criteria provided, conflicting classifications (1 of 4 stars). 6 submissions from 6 submitters: Uncertain significance (1); Benign (2); Likely benign (3). Last evaluated 2026-03-01.

Conditions:
Autosomal recessive juvenile Parkinson disease 2. Also called: PARKINSON DISEASE, JUVENILE, AUTOSOMAL RECESSIVE; PRKN-Related Early-Onset Parkinson Disease; Parkinson disease autosomal recessive, early onset; Juvenile parkinsonism; Parkinsonism, early onset, with diurnal fluctuation; Parkinson disease, juvenile, type 2. Identifiers: Orphanet 2828, MedGen C1868675, MONDO:0010820, OMIM 600116.

Allele frequency attached by ClinVar (database versions not stated): gnomAD 0.00004 and 0.00072; TOPMed 0.00018; gnomAD exomes 0.00121 and 0.00241; ExAC 0.00276; 1000 Genomes Project 30x 0.00344; 1000 Genomes Project 0.00379.

Submissions (6):

CeGaT Center for Human Genetics Tuebingen
Classification: Benign. Last evaluated: 2026-03-01. Review status: criteria provided, single submitter. Criteria: CeGaT Center For Human Genetics Tuebingen Variant Classification Criteria Version 2. Collection method: clinical testing. Allele origin: germline. Affected: yes. Observed: 1 variant allele.
Comment: PRKN: BP4, BS1, BS2

Labcorp Genetics (formerly Invitae), Labcorp
Classification: Benign. Last evaluated: 2025-12-21. Review status: criteria provided, single submitter. Criteria: Invitae Variant Classification Sherloc (09022015). Collection method: clinical testing. Allele origin: germline.

Illumina Laboratory Services, Illumina
Classification: Uncertain significance for Autosomal recessive juvenile Parkinson disease 2. Last evaluated: 2017-04-28. Review status: criteria provided, single submitter. Criteria: ICSL Variant Classification Criteria 13 December 2019. Collection method: clinical testing. Allele origin: germline.
Comment: This variant was observed as part of a predisposition screen in an ostensibly healthy population. A literature search was performed for the gene, cDNA change, and amino acid change (where applicable). Publications were found based on this search. However, the evidence from the literature, in combination with allele frequency data from public databases where available, was not sufficient to rule this variant in or out of causing disease. Therefore, this variant is classified as a variant of unknown significance.

Center for Pediatric Genomic Medicine, Children's Mercy Hospital and Clinics
Classification: Likely benign. Last evaluated: 2017-02-22. Review status: criteria provided, single submitter. Criteria: ACMG Guidelines, 2015. Collection method: clinical testing. Allele origin: germline.

Eurofins Ntd Llc (ga)
Classification: Likely benign. Last evaluated: 2015-06-23. Review status: criteria provided, single submitter. Criteria: EGL Classification Definitions 2015. Collection method: clinical testing. Allele origin: germline. Observed: 1 variant allele, 1 heterozygote.

Broad Center for Mendelian Genomics, Broad Institute of MIT and Harvard
Classification: Likely benign for Autosomal recessive juvenile Parkinson disease 2. Review status: criteria provided, single submitter. Criteria: ACMG Guidelines, 2015. Collection method: research. Allele origin: germline. Inheritance: Autosomal recessive inheritance. Affected: yes.
Comment: The p.Arg334Cys variant in PARK2 has been identified in 2 homozygous individuals and 1 heterozygous individual with Parkinson disease, segregated with disease in 2 relatives from 1 family (PMID: 10824074, 24082139, 22523156), but has also been identified in >1% of South Asian chromosomes and 3 homozygotes by ExAC. Of note, other variants of unknown significance in the same gene were identified in 2 homozygous individuals (PMID: 10824074). In summary, although additional studies are required to fully establish its clinical significance, this variant meets criteria to be classified as likely benign for Parkinson disease.

Literature cited by the submitters: PubMed 24082139 (cited by Illumina Laboratory Services, Illumina and Broad Center for Mendelian Genomics, Broad Institute of MIT and Harvard); PubMed 25238391 (cited by Illumina Laboratory Services, Illumina); PubMed 18514563 (cited by Illumina Laboratory Services, Illumina and Eurofins Ntd Llc (ga)); PubMed 16793319 (cited by Illumina Laboratory Services, Illumina and Eurofins Ntd Llc (ga)); PubMed 16227559 (cited by Illumina Laboratory Services, Illumina and Eurofins Ntd Llc (ga)); PubMed 10824074 (cited by Illumina Laboratory Services, Illumina and Broad Center for Mendelian Genomics, Broad Institute of MIT and Harvard); PubMed 23818421 (cited by Illumina Laboratory Services, Illumina); PubMed 25939424 (cited by Illumina Laboratory Services, Illumina); PubMed 22523156 (cited by Broad Center for Mendelian Genomics, Broad Institute of MIT and Harvard).